The following is an entry in ClinVar:

NM_001347721.2(DYRK1A):c.1178C>G (p.Thr393Ser)

Gene: DYRK1A (dual specificity tyrosine phosphorylation regulated kinase 1A; plus strand). Cytogenetic location: 21q22.13.
Variant type: single nucleotide variant.
Coding change: c.1178C>G on transcript NM_001347721.2 (MANE Select); coding-DNA position 1178, C replaced by G.
Protein change: p.Thr393Ser; replaces threonine 393 with serine.
Molecular consequence: missense variant.
Genome position (GRCh38, 1-based): chr21:37,496,224, C>G. VCF-style: chr21-37496224-C-G. GRCh37 (hg19) VCF-style: chr21-38868526-C-G.
Other names: c.1178C>G, p.Thr393Ser (NM_001347722.2, NM_130436.2); c.1091C>G, p.Thr364Ser (NM_001347723.2); c.1205C>G, p.Thr402Ser (NM_001396.5, NM_101395.2, NM_130438.2); c.1205C>G (NM_001396.4); short protein forms T402S, T364S, T393S.
Identifiers: ClinVar variation 539580 (VCV000539580.36), dbSNP rs777270510, ClinGen allele CA10023931.
Genomic context (GRCh38, chr21:37,496,224, plus strand): 5'-CTCATATTCTTGACCAAGCACCAAAAGCAAGAAAGTTCTTTGAGAAGTTGCCAGATGGCA[C>G]TTGGAACTTAAAGAAGACCAAAGATGGAAAACGGGTAAAATAAGGATATATCTGTTTTGA-3'
Protein context (NP_001334650.1, residues 383-403): RKFFEKLPDG[Thr393Ser]WNLKKTKDGK

ClinVar aggregate classification (germline): Likely benign. Review status: criteria provided, multiple submitters, no conflicts (2 of 4 stars). 3 submissions from 3 submitters: Likely benign (3). Last evaluated 2026-02-06.

Conditions:
DYRK1A-related disorder.
DYRK1A-related intellectual disability syndrome (MRD7). Also called: DYRK1A Syndrome; Intellectual developmental disorder, autosomal dominant 7. Identifiers: Orphanet 464306, MedGen C5568143, MONDO:0013578, OMIM 614104.

Allele frequency attached by ClinVar (database versions not stated): ExAC 0.00007; gnomAD 0.00001 and 0.00002; gnomAD exomes 0.00001 and 0.00010; TOPMed 0.00005.
gnomAD v4.1: 25 of 1,613,800 alleles (0.0015%); highest among the groups gnomAD compares: East Asian, 0.04%; no homozygotes.

Submissions (3):

PreventionGenetics, part of Exact Sciences
Classification: Likely benign for DYRK1A-related condition. Last evaluated: 2026-02-06. Review status: criteria provided, single submitter. Criteria: ACMG Guidelines, 2015. Collection method: clinical testing. Allele origin: germline.
Comment: This variant is classified as likely benign based on ACMG/AMP sequence variant interpretation guidelines (Richards et al. 2015 PMID: 25741868, with internal and published modifications).

Labcorp Genetics (formerly Invitae), Labcorp
Classification: Likely benign for DYRK1A-related intellectual disability syndrome. Last evaluated: 2026-01-26. Review status: criteria provided, single submitter. Criteria: Invitae Variant Classification Sherloc (09022015). Collection method: clinical testing. Allele origin: germline.

CeGaT Center for Human Genetics Tuebingen
Classification: Likely benign. Last evaluated: 2025-05-01. Review status: criteria provided, single submitter. Criteria: CeGaT Center For Human Genetics Tuebingen Variant Classification Criteria Version 2. Collection method: clinical testing. Allele origin: germline. Affected: yes. Observed: 2 variant alleles.
Comment: DYRK1A: PP2, BS1